The following is an entry in ClinVar:

ClinVar aggregate classification (germline): Uncertain significance (1 of 4 stars; one submission).

Conditions:
Short-rib thoracic dysplasia 8 with or without polydactyly (SRTD8). Also called: SHORT-RIB THORACIC DYSPLASIA 8 WITH POLYDACTYLY. Identifiers: Orphanet 93271, MedGen C3809691, MONDO:0014214, OMIM 615503.

Allele frequency attached by ClinVar (database versions not stated): TOPMed 0.00001.

Submission:

Labcorp Genetics (formerly Invitae), Labcorp
Classification: Uncertain significance for Short-rib thoracic dysplasia 8 with or without polydactyly. Last evaluated: 2022-04-04. Review status: criteria provided, single submitter. Criteria: Invitae Variant Classification Sherloc (09022015). Collection method: clinical testing. Allele origin: germline.
Comment: Algorithms developed to predict the effect of missense changes on protein structure and function (SIFT, PolyPhen-2, Align-GVGD) all suggest that this variant is likely to be tolerated. In summary, the available evidence is currently insufficient to determine the role of this variant in disease. Therefore, it has been classified as a Variant of Uncertain Significance. This variant has not been reported in the literature in individuals affected with WDR60-related conditions. This variant is not present in population databases (gnomAD no frequency). This sequence change replaces leucine, which is neutral and non-polar, with valine, which is neutral and non-polar, at codon 712 of the WDR60 protein (p.Leu712Val).

NM_018051.5(DYNC2I1):c.2134C>G (p.Leu712Val)

Gene: DYNC2I1 (dynein 2 intermediate chain 1; plus strand). Cytogenetic location: 7q36.3.
Variant type: single nucleotide variant.
Coding change: c.2134C>G on transcript NM_018051.5 (MANE Select); coding-DNA position 2134, C replaced by G.
Protein change: p.Leu712Val; replaces leucine 712 with valine.
Molecular consequence: missense variant.
Genome position (GRCh38, 1-based): chr7:158,923,610, C>G. VCF-style: chr7-158923610-C-G. GRCh37 (hg19) VCF-style: chr7-158716301-C-G.
Other names: c.1996C>G, p.Leu666Val (NM_001350914.2); c.1561C>G, p.Leu521Val (NM_001350915.2); c.673C>G, p.Leu225Val (NM_001350916.2); c.886C>G, p.Leu296Val (NM_001350917.2, NM_001350918.2); short protein forms L666V, L225V, L296V, L521V, L712V.
Identifiers: ClinVar variation 1984742 (VCV001984742.4), dbSNP rs1849309765, ClinGen allele CA370178542.